The following is an entry in ClinVar:

ClinVar aggregate classification (germline): Pathogenic (1 of 4 stars; one submission).

Conditions:
Glycogen storage disease, type V (GSD5). Also called: McArdle type glycogen storage disease; MCARDLE DISEASE; MUSCLE GLYCOGEN PHOSPHORYLASE DEFICIENCY; MYOPHOSPHORYLASE DEFICIENCY; PYGM DEFICIENCY. Identifiers: Orphanet 368, MedGen C0017924, MONDO:0009293, OMIM 232600.

Submission:

Labcorp Genetics (formerly Invitae), Labcorp
Classification: Pathogenic for Glycogen storage disease, type V. Last evaluated: 2023-10-13. Review status: criteria provided, single submitter. Criteria: Invitae Variant Classification Sherloc (09022015). Collection method: clinical testing. Allele origin: germline.
Comment: This sequence change creates a premature translational stop signal (p.Ala696Glyfs*26) in the PYGM gene. It is expected to result in an absent or disrupted protein product. Loss-of-function variants in PYGM are known to be pathogenic (PMID: 8316268, 16786513). This variant is not present in population databases (gnomAD no frequency). This variant has not been reported in the literature in individuals affected with PYGM-related conditions. For these reasons, this variant has been classified as Pathogenic.

Literature cited by the submitters: PubMed 8316268; PubMed 16786513.

NM_005609.4(PYGM):c.2086dup (p.Ala696fs)

Gene: PYGM (glycogen phosphorylase, muscle associated; minus strand). Cytogenetic location: 11q13.1.
Variant type: Duplication.
Coding change: c.2086dup on transcript NM_005609.4 (MANE Select); coding-DNA position 2086, one base duplicated (G; older notation c.2086dupG).
Protein change: p.Ala696fs; shifts the reading frame from alanine 696.
Molecular consequence: frameshift variant.
Genome position (GRCh38, 1-based): chr11:64,750,467, C duplicated on the plus strand (G on the coding strand, the reverse complement: PYGM is on the minus strand); the first of 4 consecutive C bases (chr11:64,750,467-64,750,470); duplicating any one gives the same sequence. VCF-style (leftmost placement, unchanged base first): chr11-64750466-G-GC. GRCh37 (hg19) VCF-style: chr11-64517938-G-GC.
Other names: c.1822dup, p.Ala608fs (NM_001164716.1); short protein forms A696fs, A608fs.
Identifiers: ClinVar variation 2747814 (VCV002747814.3), dbSNP rs2496648248, ClinGen allele CA2614190764.
Genomic context (GRCh38, chr11:64,750,466, plus strand): 5'-ACCCGCATGCCAAAGATGAAGAAGTTTTCCTCTCCCGCCTCTTCTGCCATCTCCACATTG[G>GC]CCCCGTCCATGGTGCCAATGGTCAGAGCCCCGTTGAGCATGAACTTCATGTTGCCGGTGC-3'